The following is an entry in ClinVar:

NM_000179.3(MSH6):c.1245G>C (p.Gln415His)

Gene: MSH6 (mutS homolog 6; plus strand). Cytogenetic location: 2p16.3.
Variant type: single nucleotide variant.
Coding change: c.1245G>C on transcript NM_000179.3 (MANE Select); coding-DNA position 1245, G replaced by C.
Protein change: p.Gln415His; replaces glutamine 415 with histidine.
Molecular consequence: missense variant. On other transcripts: non-coding transcript variant (4), intron variant (1).
Genome position (GRCh38, 1-based): chr2:47,799,228, G>C. VCF-style: chr2-47799228-G-C. GRCh37 (hg19) VCF-style: chr2-48026367-G-C.
Other names: c.855G>C, p.Gln285His (NM_001281492.2); c.339G>C, p.Gln113His (NM_001281493.2, NM_001281494.2, NM_001406811.1 and 6 more transcripts); c.1341G>C, p.Gln447His (NM_001406795.1, NM_001406802.1); c.1245G>C, p.Gln415His (NM_001406796.1, NM_001406798.1, NM_001406800.1 and 4 more transcripts); c.948G>C, p.Gln316His (NM_001406797.1, NM_001406801.1, NM_001406805.1 and 10 more transcripts); c.720G>C, p.Gln240His (NM_001406799.1, NM_001406806.1, NM_001406807.1); c.1167G>C, p.Gln389His (NM_001406804.1); c.1251G>C, p.Gln417His (NM_001406813.1); and 2 more; short protein forms Q113H, Q240H, Q285H, Q316H, Q359H, Q389H, Q415H, Q417H.
Identifiers: ClinVar variation 3235204 (VCV003235204.1), dbSNP rs769418914.

ClinVar aggregate classification (germline): Uncertain significance (1 of 4 stars; one submission).

Conditions:
Lynch syndrome 5 (LYNCH5). Also called: Colorectal cancer, hereditary nonpolyposis, type 5; Hereditary non-polyposis colorectal cancer, type 5. Identifiers: Orphanet 144, MedGen C1833477, MONDO:0013710, OMIM 614350. Disease mechanism: loss of function.

Submission:

MVZ Medizinische Genetik Mainz
Classification: Uncertain significance for Lynch syndrome 5. Last evaluated: 2022-09-26. Review status: criteria provided, single submitter. Criteria: UK Practice Guidelines For Variant Classification V4 01 2020. Collection method: clinical testing. Allele origin: germline. Inheritance: Autosomal dominant inheritance. Affected: yes. Observed: 1 variant allele.
Comment: ACMG Criteria: PP4_SUP, PM2_MOD